The following is an entry in ClinVar:

ClinVar aggregate classification (germline): Conflicting classifications of pathogenicity. Review status: criteria provided, conflicting classifications (1 of 4 stars). 2 submissions from 2 submitters: Uncertain significance (1); Likely benign (1). Last evaluated 2025-10-21.

Conditions:
Intellectual developmental disorder, autosomal dominant 1. Also called: MBD5 Haploinsufficiency; Intellectual disability, autosomal dominant 1. Identifiers: Orphanet 228402, MedGen C1969562, MONDO:0007974, OMIM 156200.

Allele frequency attached by ClinVar (database versions not stated): TOPMed below 0.00001; gnomAD exomes below 0.00001.
gnomAD v4.1: 1 of 1,613,714 alleles (0.000062%); highest among the groups gnomAD compares: Admixed American, 0.0017%; no homozygotes.

Submissions (2):

Labcorp Genetics (formerly Invitae), Labcorp
Classification: Uncertain significance for Intellectual developmental disorder, autosomal dominant 1. Last evaluated: 2025-10-21. Review status: criteria provided, single submitter. Criteria: Invitae Variant Classification Sherloc (09022015). Collection method: clinical testing. Allele origin: germline.
Comment: This sequence change replaces proline, which is neutral and non-polar, with arginine, which is basic and polar, at codon 809 of the MBD5 protein (p.Pro809Arg). This variant is present in population databases (no rsID available, gnomAD 0.003%). This variant has not been reported in the literature in individuals affected with MBD5-related conditions. ClinVar contains an entry for this variant (Variation ID: 406453). Invitae Evidence Modeling of protein sequence and biophysical properties (such as structural, functional, and spatial information, amino acid conservation, physicochemical variation, residue mobility, and thermodynamic stability) indicates that this missense variant is not expected to disrupt MBD5 protein function with a negative predictive value of 80%. In summary, the available evidence is currently insufficient to determine the role of this variant in disease. Therefore, it has been classified as a Variant of Uncertain Significance.

GeneDx
Classification: Likely benign. Last evaluated: 2020-03-06. Review status: criteria provided, single submitter. Criteria: GeneDx Variant Classification Process June 2021. Collection method: clinical testing. Allele origin: germline. Affected: yes.

NM_001378120.1(MBD5):c.2426C>G (p.Pro809Arg)

Gene: MBD5 (methyl-CpG binding domain protein 5; plus strand). Cytogenetic location: 2q23.1.
Variant type: single nucleotide variant.
Coding change: c.2426C>G on transcript NM_001378120.1 (MANE Select); coding-DNA position 2426, C replaced by G.
Protein change: p.Pro809Arg; replaces proline 809 with arginine.
Molecular consequence: missense variant.
Genome position (GRCh38, 1-based): chr2:148,470,369, C>G. VCF-style: chr2-148470369-C-G. GRCh37 (hg19) VCF-style: chr2-149227938-C-G.
Other names: c.2426C>G, p.Pro809Arg (NM_018328.5); short protein forms P809R.
Identifiers: ClinVar variation 406453 (VCV000406453.14), dbSNP rs1060501152, ClinGen allele CA16610158.
Genomic context (GRCh38, chr2:148,470,369, plus strand): 5'-CTAGCGGGAACTGTGGGATGCTCAGTCAGTCGGGCATGGCTTTAGGAAATTCCTTACATC[C>G]CAATCCACCTCAGTCAAGAATTTCAACGTCCTCCACTCCAGTGATACCAAACAGCATTGT-3'
Protein context (NP_001365049.1, residues 799-819): SGMALGNSLH[Pro809Arg]NPPQSRISTS